The following is an entry in ClinVar:

NM_020693.4(DSCAML1):c.4394G>A (p.Arg1465His)

Gene: DSCAML1 (DS cell adhesion molecule like 1; minus strand). Cytogenetic location: 11q23.3.
Variant type: single nucleotide variant.
Coding change: c.4394G>A on transcript NM_020693.4 (MANE Select); coding-DNA position 4394, G replaced by A.
Protein change: p.Arg1465His; replaces arginine 1465 with histidine.
Molecular consequence: missense variant.
Genome position (GRCh38, 1-based): chr11:117,437,933, C>T on the plus strand (G>A on the coding strand, the complement: DSCAML1 is on the minus strand). VCF-style: chr11-117437933-C-T. GRCh37 (hg19) VCF-style: chr11-117308649-C-T.
Other names: short protein forms R1465H.
Identifiers: ClinVar variation 2140119 (VCV002140119.4), dbSNP rs180842560, ClinGen allele CA6296396.

ClinVar aggregate classification (germline): Uncertain significance (1 of 4 stars; one submission).

Allele frequency attached by ClinVar (database versions not stated): gnomAD exomes 0.00004; ESP Exome Variant Server 0.00008; gnomAD 0.00010; ExAC 0.00013; TOPMed 0.00017; 1000 Genomes Project 30x 0.00062; 1000 Genomes Project 0.00080.
gnomAD v4.1: 81 of 1,612,790 alleles (0.005%); highest among the groups gnomAD compares: East Asian, 0.14%; no homozygotes.

Submission:

Labcorp Genetics (formerly Invitae), Labcorp
Classification: Uncertain significance. Last evaluated: 2024-09-15. Review status: criteria provided, single submitter. Criteria: Invitae Variant Classification Sherloc (09022015). Collection method: clinical testing. Allele origin: germline.
Comment: This sequence change replaces arginine, which is basic and polar, with histidine, which is basic and polar, at codon 1525 of the DSCAML1 protein (p.Arg1525His). This variant is present in population databases (rs180842560, gnomAD 0.2%), and has an allele count higher than expected for a pathogenic variant. This missense change has been observed in individual(s) with brain arteriovenous malformations (PMID: 30120215). ClinVar contains an entry for this variant (Variation ID: 2140119). An algorithm developed to predict the effect of missense changes on protein structure and function (PolyPhen-2) suggests that this variant is likely to be disruptive. In summary, the available evidence is currently insufficient to determine the role of this variant in disease. Therefore, it has been classified as a Variant of Uncertain Significance.

Literature cited by the submitters: PubMed 30120215.